The following is an entry in ClinVar:

NM_006949.4(STXBP2):c.794+3C>G

Gene: STXBP2 (syntaxin binding protein 2; plus strand). Cytogenetic location: 19p13.2.
Variant type: single nucleotide variant.
Coding change: c.794+3C>G on transcript NM_006949.4 (MANE Select); 3 bases into the intron after coding-DNA position 794, C replaced by G.
Molecular consequence: intron variant.
Genome position (GRCh38, 1-based): chr19:7,642,336, C>G. VCF-style: chr19-7642336-C-G. GRCh37 (hg19) VCF-style: chr19-7707222-C-G.
Other names: c.827+3C>G (NM_001272034.2); c.785+3C>G (NM_001127396.3).
Identifiers: ClinVar variation 1367792 (VCV001367792.6), dbSNP rs2146218160, ClinGen allele CA2573155931.

ClinVar aggregate classification (germline): Uncertain significance (1 of 4 stars; one submission).

Conditions:
Familial hemophagocytic lymphohistiocytosis 5. Also called: STXBP2-Related Familial Hemophagocytic Lymphohistiocytosis (STXBP2-fHLH). Identifiers: Orphanet 540, MedGen C2751293, MONDO:0013135, OMIM 613101.

Allele frequency attached by ClinVar (database versions not stated): gnomAD exomes below 0.00001.
gnomAD v4.1: 2 of 1,613,914 alleles (0.00012%); highest among the groups gnomAD compares: Non-Finnish European, 0.00017%; no homozygotes.

Submission:

Labcorp Genetics (formerly Invitae), Labcorp
Classification: Uncertain significance for Familial hemophagocytic lymphohistiocytosis 5. Last evaluated: 2021-11-25. Review status: criteria provided, single submitter. Criteria: Invitae Variant Classification Sherloc (09022015). Collection method: clinical testing. Allele origin: germline.
Comment: This variant has not been reported in the literature in individuals affected with STXBP2-related conditions. Variants that disrupt the consensus splice site are a relatively common cause of aberrant splicing (PMID: 17576681, 9536098). Algorithms developed to predict the effect of sequence changes on RNA splicing suggest that this variant is not likely to affect RNA splicing. In summary, the available evidence is currently insufficient to determine the role of this variant in disease. Therefore, it has been classified as a Variant of Uncertain Significance. This variant is not present in population databases (gnomAD no frequency). This sequence change falls in intron 9 of the STXBP2 gene. It does not directly change the encoded amino acid sequence of the STXBP2 protein. It affects a nucleotide within the consensus splice site.

Literature cited by the submitters: PubMed 17576681; PubMed 9536098.